The following is an entry in ClinVar:

NM_002472.3(MYH8):c.3554C>G (p.Thr1185Ser)

Genes: MYHAS (myosin heavy chain gene cluster antisense RNA; plus strand), MYH8 (myosin heavy chain 8; minus strand), LOC126862494 (BRD4-independent group 4 enhancer GRCh37_chr17:10303826-10305025; plus strand). Cytogenetic location: 17p13.1.
Variant type: single nucleotide variant.
Coding change: c.3554C>G on transcript NM_002472.3 (MANE Select); coding-DNA position 3554, C replaced by G.
Protein change: p.Thr1185Ser; replaces threonine 1185 with serine.
Molecular consequence: missense variant.
Genome position (GRCh38, 1-based): chr17:10,400,571, G>C on the plus strand (C>G on the coding strand, the complement: MYH8 is on the minus strand). VCF-style: chr17-10400571-G-C. GRCh37 (hg19) VCF-style: chr17-10303888-G-C.
Other names: short protein forms T1185S.
Identifiers: ClinVar variation 737147 (VCV000737147.29), dbSNP rs138064925, ClinGen allele CA8387492.

ClinVar aggregate classification (germline): Conflicting classifications of pathogenicity. Review status: criteria provided, conflicting classifications (1 of 4 stars). 3 submissions from 3 submitters: Uncertain significance (1); Benign (1); Likely benign (1). Last evaluated 2025-07-01.

Allele frequency attached by ClinVar (database versions not stated): gnomAD exomes 0.00007 and 0.00016; ExAC 0.00018; gnomAD 0.00072 and 0.00077; ESP Exome Variant Server 0.00077; TOPMed 0.00079; 1000 Genomes Project 0.00080; 1000 Genomes Project 30x 0.00094.
gnomAD v4.1: 207 of 1,614,220 alleles (0.013%); highest among the groups gnomAD compares: African/African-American, 0.24%; no homozygotes.

Submissions (3):

Ambry Genetics
Classification: Uncertain significance. Last evaluated: 2025-07-01. Review status: criteria provided, single submitter. Criteria: Ambry Variant Classification Scheme 2023. Collection method: clinical testing. Allele origin: germline.

CeGaT Center for Human Genetics Tuebingen
Classification: Benign. Last evaluated: 2022-09-01. Review status: criteria provided, single submitter. Criteria: CeGaT Center For Human Genetics Tuebingen Variant Classification Criteria Version 2. Collection method: clinical testing. Allele origin: germline. Affected: yes. Observed: 1 variant allele.
Comment: MYH8: BS1, BS2

Labcorp Genetics (formerly Invitae), Labcorp
Classification: Likely benign. Last evaluated: 2019-12-31. Review status: criteria provided, single submitter. Criteria: Invitae Variant Classification Sherloc (09022015). Collection method: clinical testing. Allele origin: germline.